The following is an entry in ClinVar:

NM_201384.3(PLEC):c.9538G>A (p.Ala3180Thr)

Gene: PLEC (plectin; minus strand). Cytogenetic location: 8q24.3.
Variant type: single nucleotide variant.
Coding change: c.9538G>A on transcript NM_201384.3 (MANE Select); coding-DNA position 9538, G replaced by A.
Protein change: p.Ala3180Thr; replaces alanine 3180 with threonine.
Molecular consequence: missense variant.
Genome position (GRCh38, 1-based): chr8:143,920,283, C>T on the plus strand (G>A on the coding strand, the complement: PLEC is on the minus strand). VCF-style: chr8-143920283-C-T. GRCh37 (hg19) VCF-style: chr8-144994451-C-T.
Other names: c.9619G>A (NM_000445.3); c.9496G>A, p.Ala3166Thr (NM_201378.4); c.9472G>A, p.Ala3158Thr (NM_201379.3); c.9949G>A, p.Ala3317Thr (NM_201380.4); c.9442G>A, p.Ala3148Thr (NM_201381.3); c.9538G>A, p.Ala3180Thr (NM_201382.4); c.9550G>A, p.Ala3184Thr (NM_201383.3); c.9619G>A, p.Ala3207Thr (NM_000445.5); and 1 more; short protein forms A2080T, A3148T, A3158T, A3166T, A3180T, A3184T, A3207T, A3317T.
Identifiers: ClinVar variation 2435012 (VCV002435012.8), dbSNP rs782281123, ClinGen allele CA4924937.
Genomic context (GRCh38, chr8:143,920,283, plus strand): 5'-GGCACCGCTGCTGGAGCTCGCCGTAGGTGGCCGGCTCCCCTGTGCTGGGGTCACTGTAGG[C>T]CTTGGCGTCGGCCCTTGGTGCCGACAGGGCCCTGCTGGTCTCCTCATCCAGGCAGCCTCG-3'
Protein context (NP_958786.1, residues 3170-3190): ALSAPRADAK[Ala3180Thr]YSDPSTGEPA

ClinVar aggregate classification (germline): Conflicting classifications of pathogenicity. Review status: criteria provided, conflicting classifications (1 of 4 stars). 3 submissions from 3 submitters: Uncertain significance (2); Likely benign (1). Last evaluated 2023-04-12.

Conditions:
Epidermolysis bullosa simplex 5B, with muscular dystrophy (EBS5B). Also called: EPIDERMOLYSIS BULLOSA SIMPLEX AND LIMB-GIRDLE MUSCULAR DYSTROPHY; Epidermolysis bullosa simplex with muscular dystrophy. Identifiers: Orphanet 257, MedGen C2931072, MONDO:0009181, OMIM 226670.
Epidermolysis bullosa simplex with nail dystrophy (EBS5D). Identifiers: MedGen C4225309, MONDO:0014661, OMIM 616487.
Epidermolysis bullosa simplex 5C, with pyloric atresia (EBS5C). Also called: PLEC-Related Epidermolysis Bullosa with Pyloric Atresia; Epidermolysis bullosa simplex with pyloric atresia; PLEC1-Related Epidermolysis Bullosa with Pyloric Atresia. Identifiers: Orphanet 158684, MedGen C2677349, MONDO:0012807, OMIM 612138.
Autosomal recessive limb-girdle muscular dystrophy type 2Q (LGMDR17). Also called: MUSCULAR DYSTROPHY, LIMB-GIRDLE, AUTOSOMAL RECESSIVE 17. Identifiers: Orphanet 254361, MedGen C3150989, MONDO:0013390, OMIM 613723.
Epidermolysis bullosa simplex, Ogna type (EBS5A). Also called: EPIDERMOLYSIS BULLOSA SIMPLEX 5A, OGNA TYPE; Pidermolysis bullosa simplex 5A, Ogna type. Identifiers: Orphanet 79401, MedGen C0432317, MONDO:0007555, OMIM 131950.
Inborn genetic diseases. Identifiers: MedGen C0950123, MeSH D030342.

Allele frequency attached by ClinVar (database versions not stated): gnomAD exomes below 0.00001; ExAC 0.00001; gnomAD 0.00001; TOPMed 0.00001.
gnomAD v4.1: 6 of 1,593,164 alleles (0.00038%); highest among the groups gnomAD compares: Non-Finnish European, 0.00051%; no homozygotes.

Submissions (3):

Labcorp Genetics (formerly Invitae), Labcorp
Classification: Uncertain significance for Autosomal recessive limb-girdle muscular dystrophy type 2Q; Epidermolysis bullosa simplex, Ogna type; Epidermolysis bullosa simplex with nail dystrophy; Epidermolysis bullosa simplex 5C, with pyloric atresia; Epidermolysis bullosa simplex 5B, with muscular dystrophy. Last evaluated: 2023-04-12. Review status: criteria provided, single submitter. Criteria: Invitae Variant Classification Sherloc (09022015). Collection method: clinical testing. Allele origin: germline.
Comment: Algorithms developed to predict the effect of missense changes on protein structure and function output the following: SIFT: "Not Available"; PolyPhen-2: "Benign"; Align-GVGD: "Not Available". The threonine amino acid residue is found in multiple mammalian species, which suggests that this missense change does not adversely affect protein function. In summary, the available evidence is currently insufficient to determine the role of this variant in disease. Therefore, it has been classified as a Variant of Uncertain Significance. ClinVar contains an entry for this variant (Variation ID: 2435012). This variant has not been reported in the literature in individuals affected with PLEC-related conditions. The frequency data for this variant in the population databases is considered unreliable, as metrics indicate poor data quality at this position in the gnomAD database. This sequence change replaces alanine, which is neutral and non-polar, with threonine, which is neutral and polar, at codon 3207 of the PLEC protein (p.Ala3207Thr).

Ambry Genetics
Classification: Likely benign for Inborn genetic diseases. Last evaluated: 2023-02-14. Review status: criteria provided, single submitter. Criteria: Ambry Variant Classification Scheme 2023. Collection method: clinical testing. Allele origin: germline.

Revvity Omics, Revvity
Classification: Uncertain significance. Last evaluated: 2019-06-18. Review status: criteria provided, single submitter. Criteria: ACMG Guidelines, 2015. Collection method: clinical testing. Allele origin: germline.